The following is an entry in ClinVar:

ClinVar aggregate classification (germline): Uncertain significance (1 of 4 stars; one submission).

Conditions:
Familial hemiplegic migraine. Identifiers: MedGen C0338484, MONDO:0000700.

Allele frequency attached by ClinVar (database versions not stated): gnomAD exomes below 0.00001; gnomAD 0.00001.
gnomAD v4.1: 3 of 1,613,890 alleles (0.00019%); highest among the groups gnomAD compares: Non-Finnish European, 0.00025%; no homozygotes.

Submission:

Labcorp Genetics (formerly Invitae), Labcorp
Classification: Uncertain significance for Familial hemiplegic migraine. Last evaluated: 2022-07-26. Review status: criteria provided, single submitter. Criteria: Invitae Variant Classification Sherloc (09022015). Collection method: clinical testing. Allele origin: germline.
Comment: Advanced modeling of protein sequence and biophysical properties (such as structural, functional, and spatial information, amino acid conservation, physicochemical variation, residue mobility, and thermodynamic stability) performed at Invitae indicates that this missense variant is not expected to disrupt ATP1A2 protein function. ClinVar contains an entry for this variant (Variation ID: 849094). This variant has not been reported in the literature in individuals affected with ATP1A2-related conditions. This variant is not present in population databases (gnomAD no frequency). This sequence change replaces alanine, which is neutral and non-polar, with valine, which is neutral and non-polar, at codon 476 of the ATP1A2 protein (p.Ala476Val). Algorithms developed to predict the effect of sequence changes on RNA splicing suggest that this variant may create or strengthen a splice site. In summary, the available evidence is currently insufficient to determine the role of this variant in disease. Therefore, it has been classified as a Variant of Uncertain Significance.

NM_000702.4(ATP1A2):c.1427C>T (p.Ala476Val)

Gene: ATP1A2 (ATPase Na+/K+ transporting subunit alpha 2; plus strand). Cytogenetic location: 1q23.2.
Variant type: single nucleotide variant.
Coding change: c.1427C>T on transcript NM_000702.4 (MANE Select); coding-DNA position 1427, C replaced by T.
Protein change: p.Ala476Val; replaces alanine 476 with valine.
Molecular consequence: missense variant.
Genome position (GRCh38, 1-based): chr1:160,129,366, C>T. VCF-style: chr1-160129366-C-T. GRCh37 (hg19) VCF-style: chr1-160099156-C-T.
Other names: short protein forms A476V.
Identifiers: ClinVar variation 849094 (VCV000849094.11), dbSNP rs1651695022, ClinGen allele CA343242259.
Genomic context (GRCh38, chr1:160,129,366, plus strand): 5'-AGTGCATTGAGCTCTCCTGTGGCTCAGTGAGGAAAATGAGAGACAGAAACCCCAAGGTGG[C>T]AGAGATTCCTTTCAACTCTACCAACAAGTACCAGGTCTGCTTGGGTTGCCAGGACAGAGG-3'
Protein context (NP_000693.1, residues 466-486): RKMRDRNPKV[Ala476Val]EIPFNSTNKY